The following is an entry in ClinVar:

ClinVar aggregate classification (germline): Uncertain significance (1 of 4 stars; one submission).

Conditions:
Perlman syndrome (PRLMNS). Identifiers: Orphanet 2849, MedGen C0796113, MONDO:0009965, OMIM 267000.

Submission:

Labcorp Genetics (formerly Invitae), Labcorp
Classification: Uncertain significance for Perlman syndrome. Last evaluated: 2018-11-08. Review status: criteria provided, single submitter. Criteria: Invitae Variant Classification Sherloc (09022015). Collection method: clinical testing. Allele origin: germline.
Comment: In summary, the available evidence is currently insufficient to determine the role of this variant in disease. Therefore, it has been classified as a Variant of Uncertain Significance. Algorithms developed to predict the effect of missense changes on protein structure and function are either unavailable or do not agree on the potential impact of this missense change (SIFT: "Deleterious"; PolyPhen-2: "Probably Damaging"; Align-GVGD: "Class C0"). This variant has not been reported in the literature in individuals with DIS3L2-related disease. This variant is not present in population databases (ExAC no frequency). This sequence change replaces proline with serine at codon 567 of the DIS3L2 protein (p.Pro567Ser). The proline residue is highly conserved and there is a moderate physicochemical difference between proline and serine.

NM_152383.5(DIS3L2):c.1699C>T (p.Pro567Ser)

Gene: DIS3L2 (DIS3 like 3'-5' exoribonuclease 2; plus strand). Cytogenetic location: 2q37.1.
Variant type: single nucleotide variant.
Coding change: c.1699C>T on transcript NM_152383.5 (MANE Select); coding-DNA position 1699, C replaced by T.
Protein change: p.Pro567Ser; replaces proline 567 with serine.
Molecular consequence: missense variant. On other transcripts: non-coding transcript variant (2), intron variant (1).
Genome position (GRCh38, 1-based): chr2:232,300,079, C>T. VCF-style: chr2-232300079-C-T. GRCh37 (hg19) VCF-style: chr2-233164789-C-T.
Other names: c.1581+36717C>T (NM_001257281.2); short protein forms P567S.
Identifiers: ClinVar variation 639996 (VCV000639996.8), dbSNP rs868601542, ClinGen allele CA350978593.